The following is an entry in ClinVar:

NM_006517.5(SLC16A2):c.1093del (p.Ala365fs)

Gene: SLC16A2 (solute carrier family 16 member 2; plus strand). Cytogenetic location: Xq13.2.
Variant type: Deletion.
Coding change: c.1093del on transcript NM_006517.5 (MANE Select); coding-DNA position 1093, one base deleted (G; older notation c.1093delG).
Protein change: p.Ala365fs; shifts the reading frame from alanine 365.
Molecular consequence: frameshift variant.
Genome position (GRCh38, 1-based): chrX:74,525,816, G deleted; the last of 4 consecutive G bases (chrX:74,525,813-74,525,816); deleting any one gives the same sequence. VCF-style (leftmost placement, unchanged base first): chrX-74525812-TG-T. GRCh37 (hg19) VCF-style: chrX-73745647-TG-T.
Other names: short protein forms A365fs.
Identifiers: ClinVar variation 4082239 (VCV004082239.1).
Genomic context (GRCh38, chrX:74,525,812, plus strand): 5'-GAAGTATGTGGAGGAGGAGTTCTCAGAAATCAAGGAGACCTGGGTGCTCTTGGTGTGTAT[TG>T]GGGCTACCTCAGGCCTTGGGCGTCTTGTGTCAGGCCACATCAGTGACTCCATCCCTGGAC-3'

ClinVar aggregate classification (germline): Pathogenic (1 of 4 stars; one submission).

Conditions:
Allan-Herndon-Dudley syndrome (AHDS). Also called: ALLAN-HERNDON SYNDROME; MENTAL RETARDATION AND MUSCULAR ATROPHY; T3 RESISTANCE; TRIIODOTHYRONINE RESISTANCE; Passos-Bueno syndrome. Identifiers: Orphanet 59, MedGen C0795889, MONDO:0010354, OMIM 300523.

Submission:

Department of Neurology, Shanghai Children’s Hospital, Shanghai Jiao Tong University School
Classification: Pathogenic for Allan-Herndon-Dudley syndrome. Last evaluated: 2018-12-20. Review status: criteria provided, single submitter. Criteria: ACMG Guidelines, 2015. Collection method: clinical testing. Allele origin: inherited. Affected: yes. Observed: 1 hemizygote. Segregation with disease observed.
Comment: Predicted to cause premature protein truncation (p.A365L*35). Classified as pathogenic according to ACMG/AMP guidelines.